The following is an entry in ClinVar:

NM_000204.5(CFI):c.832T>C (p.Cys278Arg)

Gene: CFI (complement factor I; minus strand). Cytogenetic location: 4q25.
Variant type: single nucleotide variant.
Coding change: c.832T>C on transcript NM_000204.5 (MANE Select); coding-DNA position 832, T replaced by C.
Protein change: p.Cys278Arg; replaces cysteine 278 with arginine.
Molecular consequence: missense variant. On other transcripts: non-coding transcript variant (3).
Genome position (GRCh38, 1-based): chr4:109,760,321, A>G on the plus strand (T>C on the coding strand, the complement: CFI is on the minus strand). VCF-style: chr4-109760321-A-G. GRCh37 (hg19) VCF-style: chr4-110681477-A-G.
Other names: c.832T>C, p.Cys278Arg (NM_001318057.2, NM_001331035.2, NM_001375278.1 and 5 more transcripts); c.223T>C, p.Cys75Arg (NM_001375284.1); short protein forms C278R, C75R.
Identifiers: ClinVar variation 3911966 (VCV003911966.3).

ClinVar aggregate classification (germline): Uncertain significance. Review status: criteria provided, multiple submitters, no conflicts (2 of 4 stars). 2 submissions from 2 submitters: Uncertain significance (2). Last evaluated 2025-07-02.

Submissions (2):

Women's Health and Genetics/Laboratory Corporation of America, LabCorp
Classification: Uncertain significance. Last evaluated: 2025-07-02. Review status: criteria provided, single submitter. Criteria: LabCorp Variant Classification Summary - May 2015. Collection method: clinical testing. Allele origin: germline.
Comment: Variant summary: CFI c.832T>C (p.Cys278Arg) results in a non-conservative amino acid change in the encoded protein sequence. Algorithms developed to predict the effect of missense changes on protein structure and function all suggest that this variant is likely to be disruptive. The variant was absent in 251438 control chromosomes. The available data on variant occurrences in the general population are insufficient to allow any conclusion about variant significance. To our knowledge, no occurrence of c.832T>C in individuals affected with Complement Factor I Deficiency and no experimental evidence demonstrating its impact on protein function have been reported. No submitters have cited clinical-significance assessments for this variant to ClinVar. Based on the evidence outlined above, the variant was classified as uncertain significance.

Labcorp Genetics (formerly Invitae), Labcorp
Classification: Uncertain significance. Last evaluated: 2025-05-14. Review status: criteria provided, single submitter. Criteria: Invitae Variant Classification Sherloc (09022015). Collection method: clinical testing. Allele origin: germline.
Comment: This sequence change replaces cysteine, which is neutral and slightly polar, with arginine, which is basic and polar, at codon 278 of the CFI protein (p.Cys278Arg). This variant is not present in population databases (gnomAD no frequency). This variant has not been reported in the literature in individuals affected with CFI-related conditions. Invitae Evidence Modeling of protein sequence and biophysical properties (such as structural, functional, and spatial information, amino acid conservation, physicochemical variation, residue mobility, and thermodynamic stability) indicates that this missense variant is not expected to disrupt CFI protein function with a negative predictive value of 80%. In summary, the available evidence is currently insufficient to determine the role of this variant in disease. Therefore, it has been classified as a Variant of Uncertain Significance.